The following is an entry in ClinVar:

ClinVar aggregate classification (germline): Uncertain significance (1 of 4 stars; one submission).

Allele frequency attached by ClinVar (database versions not stated): gnomAD exomes 0.00001.
gnomAD v4.1: 11 of 1,614,078 alleles (0.00068%); highest among the groups gnomAD compares: Non-Finnish European, 0.00093%; no homozygotes.

Submission:

Labcorp Genetics (formerly Invitae), Labcorp
Classification: Uncertain significance. Last evaluated: 2023-05-15. Review status: criteria provided, single submitter. Criteria: Invitae Variant Classification Sherloc (09022015). Collection method: clinical testing. Allele origin: germline.
Comment: This variant has not been reported in the literature in individuals affected with COL9A2-related conditions. This sequence change affects a donor splice site in intron 12 of the COL9A2 gene. Variants that disrupt the donor or acceptor splice site typically lead to a loss of protein function (PMID: 16199547), however it is unknown whether splice variants in this region will result in a loss of function. This variant is not present in population databases (gnomAD no frequency). Algorithms developed to predict the effect of sequence changes on RNA splicing suggest that this variant may disrupt the consensus splice site. In summary, the available evidence is currently insufficient to determine the role of this variant in disease. Therefore, it has been classified as a Variant of Uncertain Significance.

Literature cited by the submitters: PubMed 16199547.

NM_001852.4(COL9A2):c.630+1G>A

Gene: COL9A2 (collagen type IX alpha 2 chain; minus strand). Cytogenetic location: 1p34.2.
Variant type: single nucleotide variant.
Coding change: c.630+1G>A on transcript NM_001852.4 (MANE Select); the canonical splice donor site of the intron after coding-DNA position 630, G replaced by A.
Molecular consequence: splice donor variant.
Genome position (GRCh38, 1-based): chr1:40,311,092, C>T on the plus strand (G>A on the coding strand, the complement: COL9A2 is on the minus strand). VCF-style: chr1-40311092-C-T. GRCh37 (hg19) VCF-style: chr1-40776764-C-T.
Identifiers: ClinVar variation 2877551 (VCV002877551.3), dbSNP rs1644115857, ClinGen allele CA339855717.